The following is an entry in ClinVar:

ClinVar aggregate classification (germline): Pathogenic. Review status: criteria provided, multiple submitters, no conflicts (2 of 4 stars). 5 submissions from 5 submitters: Pathogenic (4). 1 of the submissions does not count toward it. Last evaluated 2025-07-14.

Conditions:
Mucopolysaccharidosis, MPS-IV-A (MPS4A). Also called: GALACTOSAMINE-6-SULFATASE DEFICIENCY; GALNS DEFICIENCY; MPS IVA; Mucopolysaccharidosis type IV A; Morquio syndrome A, mild; MORQUIO A DISEASE. Identifiers: Orphanet 309297, Orphanet 582, MedGen C0086651, MONDO:0009659, OMIM 253000.

Allele frequency attached by ClinVar (database versions not stated): gnomAD exomes 0.00001 and below 0.00001; ExAC 0.00001; gnomAD 0.00001; TOPMed 0.00001.
gnomAD v4.1: 5 of 1,613,882 alleles (0.00031%); highest among the groups gnomAD compares: Admixed American, 0.0017%; no homozygotes.

Submissions (5):

Labcorp Genetics (formerly Invitae), Labcorp
Classification: Pathogenic for Mucopolysaccharidosis, MPS-IV-A. Last evaluated: 2025-07-14. Review status: criteria provided, single submitter. Criteria: Invitae Variant Classification Sherloc (09022015). Collection method: clinical testing. Allele origin: germline.
Comment: This sequence change replaces serine, which is neutral and polar, with phenylalanine, which is neutral and non-polar, at codon 162 of the GALNS protein (p.Ser162Phe). This variant is present in population databases (rs118204444, gnomAD 0.003%). This missense change has been observed in individuals with mucopolysaccharidosis type IVA (PMID: 9385378, 23876334, 29731656). It has also been observed to segregate with disease in related individuals. ClinVar contains an entry for this variant (Variation ID: 709). Invitae Evidence Modeling of protein sequence and biophysical properties (such as structural, functional, and spatial information, amino acid conservation, physicochemical variation, residue mobility, and thermodynamic stability) indicates that this missense variant is expected to disrupt GALNS protein function with a positive predictive value of 95%. Experimental studies have shown that this missense change affects GALNS function (PMID: 10814710). For these reasons, this variant has been classified as Pathogenic.

Genome-Nilou Lab
Classification: Pathogenic for Mucopolysaccharidosis, MPS-IV-A. Last evaluated: 2021-11-07. Review status: criteria provided, single submitter. Criteria: ACMG Guidelines, 2015. Collection method: clinical testing. Allele origin: germline. Affected: no.

Laboratory of Diagnosis and Therapy of Lysosomal Disorders, University of Padova
Classification: Pathogenic for Mucopolysaccharidosis, MPS-IV-A. Last evaluated: 2021-02-01. Review status: criteria provided, single submitter. Criteria: ACMG Guidelines, 2015. Collection method: research. Allele origin: germline. Affected: yes.
Comment: In vivo and in vitro functional studies supportive of a damaging effect on the gene product (low to null enzymatic activity in homozygotes; low to null in vitro enzymatic activity; PS3_strong); the prevalence of the variant in affected individuals is significantly increased compared with the prevalence in controls (PS4_strong); very low frequency in gnomAD v2.1.1 (PM2_moderate); multiple lines of computational evidence support a deleterious effect on the gene (PP3_supporting)

Eurofins Ntd Llc (ga)
Classification: Pathogenic. Last evaluated: 2017-03-07. Review status: criteria provided, single submitter. Criteria: EGL Classification Definitions 2015. Collection method: clinical testing. Allele origin: germline. Observed: 2 variant alleles, 2 heterozygotes.

OMIM
Classification: Pathogenic for MUCOPOLYSACCHARIDOSIS, TYPE IVA. Last evaluated: 1997-11-01. Review status: no assertion criteria provided. Collection method: literature only. Allele origin: germline. Not counted in ClinVar's aggregate classification.

Literature cited by the submitters: PubMed 9385378 (cited by 3 submitters); PubMed 23876334 (cited by Labcorp Genetics (formerly Invitae), Labcorp and Laboratory of Diagnosis and Therapy of Lysosomal Disorders, University of Padova); PubMed 29731656 (cited by Labcorp Genetics (formerly Invitae), Labcorp and Laboratory of Diagnosis and Therapy of Lysosomal Disorders, University of Padova); PubMed 10814710 (cited by Labcorp Genetics (formerly Invitae), Labcorp); PubMed 34387910 (cited by Laboratory of Diagnosis and Therapy of Lysosomal Disorders, University of Padova).

NM_000512.5(GALNS):c.485C>T (p.Ser162Phe)

Gene: GALNS (galactosamine (N-acetyl)-6-sulfatase; minus strand). Cytogenetic location: 16q24.3.
Variant type: single nucleotide variant.
Coding change: c.485C>T on transcript NM_000512.5 (MANE Select); coding-DNA position 485, C replaced by T.
Protein change: p.Ser162Phe; replaces serine 162 with phenylalanine.
Molecular consequence: missense variant. On other transcripts: 5 prime UTR variant (1).
Genome position (GRCh38, 1-based): chr16:88,837,703, G>A on the plus strand (C>T on the coding strand, the complement: GALNS is on the minus strand). VCF-style: chr16-88837703-G-A. GRCh37 (hg19) VCF-style: chr16-88904111-G-A.
Other names: c.-71C>T (NM_001323543.2); c.503C>T, p.Ser168Phe (NM_001323544.2); short protein forms S162F, S168F.
Identifiers: ClinVar variation 709 (VCV000000709.20), dbSNP rs118204444, ClinGen allele CA251571.